The following is an entry in ClinVar:

NM_003640.5(ELP1):c.457_466+31del

Gene: ELP1 (elongator acetyltransferase complex subunit 1; minus strand). Cytogenetic location: 9q31.3.
Variant type: Deletion.
Coding change: c.457_466+31del on transcript NM_003640.5 (MANE Select); coding-DNA position 457 through 31 bases into the intron after coding-DNA position 466, 41 bases deleted.
Molecular consequence: splice donor variant.
Genome position (GRCh38, 1-based): chr9:108,926,492-108,926,532, 41 bases deleted. GRCh37 (hg19): chr9:111,688,772-111,688,812.
Other names: c.115_124+31del (NM_001318360.2); c.-403_-394+31del (NM_001330749.2).
Identifiers: ClinVar variation 4815243 (VCV004815243.1).

ClinVar aggregate classification (germline): Likely pathogenic (1 of 4 stars; one submission).

Conditions:
Familial dysautonomia. Also called: HSAN III; FD. Identifiers: Orphanet 1764, MedGen C0013364, MONDO:0009131, OMIM 223900. Disease mechanism: loss of function.

Submission:

Natera, Inc.
Classification: Likely pathogenic for Familial dysautonomia. Last evaluated: 2024-05-29. Review status: criteria provided, single submitter. Criteria: Natera Variant Classification Schema (03/2026). Collection method: clinical testing. Allele origin: germline.
Comment: The c.457_466+31del variant in ELP1 is a frameshift variant predicted to shift the reading frame and introduce a stop codon. This variant is expected to result in nonsense mediated decay, truncation, or a dysfunctional protein product. This variant is rare in the general population with a frequency below the threshold expected for the associated phenotype(s). Given the available evidence, this variant is classified as Likely Pathogenic.